The following is an entry in ClinVar:

NM_006312.6(NCOR2):c.7189G>A (p.Gly2397Ser)

Gene: NCOR2 (nuclear receptor corepressor 2; minus strand). Cytogenetic location: 12q24.31.
Variant type: single nucleotide variant.
Coding change: c.7189G>A on transcript NM_006312.6 (MANE Select); coding-DNA position 7189, G replaced by A.
Protein change: p.Gly2397Ser; replaces glycine 2397 with serine.
Molecular consequence: missense variant.
Genome position (GRCh38, 1-based): chr12:124,326,365, C>T on the plus strand (G>A on the coding strand, the complement: NCOR2 is on the minus strand). VCF-style: chr12-124326365-C-T. GRCh37 (hg19) VCF-style: chr12-124810911-C-T.
Other names: c.7021G>A, p.Gly2341Ser (NM_001077261.4); c.7159G>A, p.Gly2387Ser (NM_001206654.2); short protein forms G2341S, G2387S, G2397S.
Identifiers: ClinVar variation 3044033 (VCV003044033.3), dbSNP rs199762590, ClinGen allele CA6867175.

ClinVar aggregate classification (germline): Uncertain significance. Review status: criteria provided, single submitter (1 of 4 stars). 2 submissions from 2 submitters: Uncertain significance (1). 1 of the submissions does not count toward it. Last evaluated 2025-09-11.

Conditions:
NCOR2-related disorder. Also called: NCOR2-related condition.

Allele frequency attached by ClinVar (database versions not stated): 1000 Genomes Project 0.00080; ESP Exome Variant Server 0.00090; 1000 Genomes Project 30x 0.00094; TOPMed 0.00111.
gnomAD v4.1: 279 of 1,489,654 alleles (0.019%); highest among the groups gnomAD compares: African/African-American, 0.33%; 1 homozygote.

Submissions (2):

Ambry Genetics
Classification: Uncertain significance. Last evaluated: 2025-09-11. Review status: criteria provided, single submitter. Criteria: Ambry Variant Classification Scheme 2023. Collection method: clinical testing. Allele origin: germline.

PreventionGenetics, part of Exact Sciences
Classification: Likely benign for NCOR2-related condition. Last evaluated: 2022-02-10. Review status: no assertion criteria provided. Collection method: clinical testing. Allele origin: germline. Not counted in ClinVar's aggregate classification.
Comment: This variant is classified as likely benign based on ACMG/AMP sequence variant interpretation guidelines (Richards et al. 2015 PMID: 25741868, with internal and published modifications).